The following is an entry in ClinVar:

NM_006015.6(ARID1A):c.5647A>T (p.Thr1883Ser)

Gene: ARID1A (AT-rich interaction domain 1A; plus strand). Cytogenetic location: 1p36.11.
Variant type: single nucleotide variant.
Coding change: c.5647A>T on transcript NM_006015.6 (MANE Select); coding-DNA position 5647, A replaced by T.
Protein change: p.Thr1883Ser; replaces threonine 1883 with serine.
Molecular consequence: missense variant.
Genome position (GRCh38, 1-based): chr1:26,779,545, A>T. VCF-style: chr1-26779545-A-T. GRCh37 (hg19) VCF-style: chr1-27106036-A-T.
Other names: c.4996A>T, p.Thr1666Ser (NM_139135.4); c.5647A>T (LRG_875t1); short protein forms T1883S, T1666S.
Identifiers: ClinVar variation 521732 (VCV000521732.9), dbSNP rs150076443, ClinGen allele CA707737.

ClinVar aggregate classification (germline): Conflicting classifications of pathogenicity. Review status: criteria provided, conflicting classifications (1 of 4 stars). 4 submissions from 4 submitters: Uncertain significance (1); Benign (1); Likely benign (2). Last evaluated 2025-09-16.

Conditions:
ARID1A-related disorder. Also called: ARID1A-related condition.
Inborn genetic diseases. Identifiers: MedGen C0950123, MeSH D030342.

Allele frequency attached by ClinVar (database versions not stated): gnomAD exomes 0.00001 and 0.00002; ExAC 0.00002; gnomAD 0.00004; TOPMed 0.00006; ESP Exome Variant Server 0.00008.
gnomAD v4.1: 38 of 1,614,044 alleles (0.0024%); highest among the groups gnomAD compares: Admixed American, 0.005%; no homozygotes.

Submissions (4):

PreventionGenetics, part of Exact Sciences
Classification: Likely benign for ARID1A-related condition. Last evaluated: 2025-09-16. Review status: criteria provided, single submitter. Criteria: ACMG Guidelines, 2015. Collection method: clinical testing. Allele origin: germline.
Comment: This variant is classified as likely benign based on ACMG/AMP sequence variant interpretation guidelines (Richards et al. 2015 PMID: 25741868, with internal and published modifications).

Labcorp Genetics (formerly Invitae), Labcorp
Classification: Benign. Last evaluated: 2025-04-26. Review status: criteria provided, single submitter. Criteria: Invitae Variant Classification Sherloc (09022015). Collection method: clinical testing. Allele origin: germline.

GeneDx
Classification: Likely benign. Last evaluated: 2018-08-23. Review status: criteria provided, single submitter. Criteria: GeneDx Variant Classification Process June 2021. Collection method: clinical testing. Allele origin: germline. Affected: yes.
Comment: See Variant Classification Assertion Criteria.

Ambry Genetics
Classification: Uncertain significance for Inborn genetic diseases. Last evaluated: 2017-04-25. Review status: criteria provided, single submitter. Criteria: Ambry exome assertion method (8-5-2015). Collection method: clinical testing. Allele origin: germline. Affected: yes. Observed: 1 variant allele.